The following is an entry in ClinVar:

ClinVar aggregate classification (germline): Uncertain significance. Review status: criteria provided, multiple submitters, no conflicts (2 of 4 stars). 2 submissions from 2 submitters: Uncertain significance (2). Last evaluated 2024-10-21.

Allele frequency attached by ClinVar (database versions not stated): gnomAD exomes below 0.00001; TOPMed below 0.00001.
gnomAD v4.1: 4 of 1,612,584 alleles (0.00025%); highest among the groups gnomAD compares: East Asian, 0.0089%; no homozygotes.

Submissions (2):

Labcorp Genetics (formerly Invitae), Labcorp
Classification: Uncertain significance. Last evaluated: 2024-10-21. Review status: criteria provided, single submitter. Criteria: Invitae Variant Classification Sherloc (09022015). Collection method: clinical testing. Allele origin: germline.
Comment: This sequence change replaces glycine, which is neutral and non-polar, with arginine, which is basic and polar, at codon 139 of the ABHD12 protein (p.Gly139Arg). This variant is present in population databases (no rsID available, gnomAD 0.03%). This variant has not been reported in the literature in individuals affected with ABHD12-related conditions. ClinVar contains an entry for this variant (Variation ID: 1951029). Invitae Evidence Modeling of protein sequence and biophysical properties (such as structural, functional, and spatial information, amino acid conservation, physicochemical variation, residue mobility, and thermodynamic stability) indicates that this missense variant is expected to disrupt ABHD12 protein function with a positive predictive value of 80%. In summary, the available evidence is currently insufficient to determine the role of this variant in disease. Therefore, it has been classified as a Variant of Uncertain Significance.

Blueprint Genetics
Classification: Uncertain significance. Last evaluated: 2023-10-25. Review status: criteria provided, single submitter. Criteria: ACMG Guidelines, 2015. Collection method: clinical testing. Allele origin: germline.

NM_001042472.3(ABHD12):c.415G>A (p.Gly139Arg)

Gene: ABHD12 (abhydrolase domain containing 12, lysophospholipase; minus strand). Cytogenetic location: 20p11.21.
Variant type: single nucleotide variant.
Coding change: c.415G>A on transcript NM_001042472.3 (MANE Select); coding-DNA position 415, G replaced by A.
Protein change: p.Gly139Arg; replaces glycine 139 with arginine.
Molecular consequence: missense variant.
Genome position (GRCh38, 1-based): chr20:25,323,332, C>T on the plus strand (G>A on the coding strand, the complement: ABHD12 is on the minus strand). VCF-style: chr20-25323332-C-T. GRCh37 (hg19) VCF-style: chr20-25303968-C-T.
Other names: c.415G>A, p.Gly139Arg (NM_015600.5); short protein forms G139R.
Identifiers: ClinVar variation 1951029 (VCV001951029.5), dbSNP rs1315356707, ClinGen allele CA408444780.
Genomic context (GRCh38, chr20:25,323,332, plus strand): 5'-ATGTAGGGTCCTTTCCTGCTGCTGGAGGGGCTGCAGAGCTCACTGGCACTCACCAGACTC[C>T]AATGGTCACGTCTTCCTCTGGCTGCAGGTAGTAGTTACACGTGTGATTCAAACCTTGATC-3'
Protein context (NP_001035937.1, residues 129-149): YLQPEEDVTI[Gly139Arg]VWHTVPAVWW